The following is an entry in ClinVar:

NM_004444.5(EPHB4):c.844G>T (p.Glu282Ter)

Gene: EPHB4 (EPH receptor B4; minus strand). Cytogenetic location: 7q22.1.
Variant type: single nucleotide variant.
Coding change: c.844G>T on transcript NM_004444.5 (MANE Select); coding-DNA position 844, G replaced by T.
Protein change: p.Glu282Ter; replaces glutamic acid 282 with a stop codon.
Molecular consequence: nonsense.
Genome position (GRCh38, 1-based): chr7:100,820,261, C>A on the plus strand (G>T on the coding strand, the complement: EPHB4 is on the minus strand). VCF-style: chr7-100820261-C-A. GRCh37 (hg19) VCF-style: chr7-100417883-C-A.
Other names: short protein forms E282*.
Identifiers: ClinVar variation 2694538 (VCV002694538.3), dbSNP rs2485038099, ClinGen allele CA368578177.

ClinVar aggregate classification (germline): Pathogenic (1 of 4 stars; one submission).

Submission:

Labcorp Genetics (formerly Invitae), Labcorp
Classification: Pathogenic. Last evaluated: 2026-01-14. Review status: criteria provided, single submitter. Criteria: Invitae Variant Classification Sherloc (09022015). Collection method: clinical testing. Allele origin: germline.
Comment: This sequence change creates a premature translational stop signal (p.Glu282*) in the EPHB4 gene. It is expected to result in an absent or disrupted protein product. Loss-of-function variants in EPHB4 are known to be pathogenic (PMID: 28687708). This variant is not present in population databases (gnomAD no frequency). This premature translational stop signal has been observed in individual(s) with capillary malformation-arteriovenous malformation (internal data). ClinVar contains an entry for this variant (Variation ID: 2694538). For these reasons, this variant has been classified as Pathogenic.

Literature cited by the submitters: PubMed 28687708.